The following is an entry in ClinVar:

NM_020699.4(GATAD2B):c.47G>A (p.Arg16Gln)

Gene: GATAD2B (GATA zinc finger domain containing 2B; minus strand). Cytogenetic location: 1q21.3.
Variant type: single nucleotide variant.
Coding change: c.47G>A on transcript NM_020699.4 (MANE Select); coding-DNA position 47, G replaced by A.
Protein change: p.Arg16Gln; replaces arginine 16 with glutamine.
Molecular consequence: missense variant.
Genome position (GRCh38, 1-based): chr1:153,828,301, C>T on the plus strand (G>A on the coding strand, the complement: GATAD2B is on the minus strand). VCF-style: chr1-153828301-C-T. GRCh37 (hg19) VCF-style: chr1-153800777-C-T.
Other names: short protein forms R16Q.
Identifiers: ClinVar variation 1424355 (VCV001424355.5), dbSNP rs2101891591, ClinGen allele CA342542132.

ClinVar aggregate classification (germline): Uncertain significance (1 of 4 stars; one submission).

Allele frequency attached by ClinVar (database versions not stated): gnomAD exomes below 0.00001.
gnomAD v4.1: 4 of 1,613,200 alleles (0.00025%); highest among the groups gnomAD compares: East Asian, 0.0022%; no homozygotes.

Submission:

Labcorp Genetics (formerly Invitae), Labcorp
Classification: Uncertain significance. Last evaluated: 2021-09-24. Review status: criteria provided, single submitter. Criteria: Invitae Variant Classification Sherloc (09022015). Collection method: clinical testing. Allele origin: germline.
Comment: This sequence change replaces arginine with glutamine at codon 16 of the GATAD2B protein (p.Arg16Gln). The arginine residue is moderately conserved and there is a small physicochemical difference between arginine and glutamine. This variant is not present in population databases (ExAC no frequency). This variant has not been reported in the literature in individuals affected with GATAD2B-related conditions. Algorithms developed to predict the effect of missense changes on protein structure and function are either unavailable or do not agree on the potential impact of this missense change (SIFT: "Not Available"; PolyPhen-2: "Probably Damaging"; Align-GVGD: "Not Available"). In summary, the available evidence is currently insufficient to determine the role of this variant in disease. Therefore, it has been classified as a Variant of Uncertain Significance.